The following is an entry in ClinVar:

NM_000059.4(BRCA2):c.3901A>G (p.Thr1301Ala)

Gene: BRCA2 (BRCA2 DNA repair associated; plus strand). Cytogenetic location: 13q13.1.
Variant type: single nucleotide variant.
Coding change: c.3901A>G on transcript NM_000059.4 (MANE Select); coding-DNA position 3901, A replaced by G.
Protein change: p.Thr1301Ala; replaces threonine 1301 with alanine.
Molecular consequence: missense variant. On other transcripts: non-coding transcript variant (1), intron variant (2).
Genome position (GRCh38, 1-based): chr13:32,338,256, A>G. VCF-style: chr13-32338256-A-G. GRCh37 (hg19) VCF-style: chr13-32912393-A-G.
Other names: c.3901A>G, p.Thr1301Ala (NM_001406719.1, NM_001406720.1); c.1909+4869A>G (NM_001406721.1); c.425-6302A>G (NM_001406722.1); short protein forms T1301A.
Identifiers: ClinVar variation 2596502 (VCV002596502.4), dbSNP rs779899032, ClinGen allele CA387778792.
Genomic context (GRCh38, chr13:32,338,256, plus strand): 5'-AAAACTGTAAGTGAAAAAAATAATAAATGCCAACTGATATTACAAAATAATATTGAAATG[A>G]CTACTGGCACTTTTGTTGAAGAAATTACTGAAAATTACAAGAGAAATACTGAAAATGAAG-3'
Protein context (NP_000050.3, residues 1291-1311): QLILQNNIEM[Thr1301Ala]TGTFVEEITE

ClinVar aggregate classification (germline): Uncertain significance. Review status: criteria provided, multiple submitters, no conflicts (2 of 4 stars). 2 submissions from 2 submitters: Uncertain significance (2). Last evaluated 2024-07-13.

Conditions:
Hereditary breast ovarian cancer syndrome. Also called: Hereditary breast and ovarian cancer; Breast and ovarian cancer; Hereditary breast and ovarian cancer syndrome (HBOC); BRCA1- and BRCA2-Associated Hereditary Breast and Ovarian Cancer; Hereditary breast and ovarian cancer syndrome; Hereditary breast and/or ovarian cancer syndrome. Identifiers: Orphanet 145, MedGen C0677776, MeSH D061325, MONDO:0003582. Disease mechanism: loss of function.
Hereditary cancer-predisposing syndrome. Also called: Tumor predisposition; Hereditary Cancer Syndrome; Hereditary neoplastic syndrome; Neoplastic Syndromes, Hereditary. Identifiers: Orphanet 140162, MedGen C0027672, MeSH D009386, MONDO:0015356.

Allele frequency attached by ClinVar (database versions not stated): TOPMed below 0.00001.

Submissions (2):

Labcorp Genetics (formerly Invitae), Labcorp
Classification: Uncertain significance for Hereditary breast ovarian cancer syndrome. Last evaluated: 2024-07-13. Review status: criteria provided, single submitter. Criteria: Invitae Variant Classification Sherloc (09022015). Collection method: clinical testing. Allele origin: germline.
Comment: This sequence change replaces threonine, which is neutral and polar, with alanine, which is neutral and non-polar, at codon 1301 of the BRCA2 protein (p.Thr1301Ala). This variant is not present in population databases (gnomAD no frequency). This variant has not been reported in the literature in individuals affected with BRCA2-related conditions. ClinVar contains an entry for this variant (Variation ID: 2596502). Advanced modeling of protein sequence and biophysical properties (such as structural, functional, and spatial information, amino acid conservation, physicochemical variation, residue mobility, and thermodynamic stability) performed at Invitae indicates that this missense variant is not expected to disrupt BRCA2 protein function with a negative predictive value of 95%. In summary, the available evidence is currently insufficient to determine the role of this variant in disease. Therefore, it has been classified as a Variant of Uncertain Significance.

Ambry Genetics
Classification: Uncertain significance for Hereditary cancer-predisposing syndrome. Last evaluated: 2023-07-28. Review status: criteria provided, single submitter. Criteria: Ambry Variant Classification Scheme 2023. Collection method: clinical testing. Allele origin: germline.
Comment: The p.T1301A variant (also known as c.3901A>G), located in coding exon 10 of the BRCA2 gene, results from an A to G substitution at nucleotide position 3901. The threonine at codon 1301 is replaced by alanine, an amino acid with similar properties. This amino acid position is not well conserved in available vertebrate species. In addition, this alteration is predicted to be tolerated by in silico analysis. Since supporting evidence is limited at this time, the clinical significance of this alteration remains unclear.